The following is an entry in ClinVar:

NM_001031689.3(PLAA):c.1720A>T (p.Ile574Leu)

Gene: PLAA (phospholipase A2 activating protein; minus strand). Cytogenetic location: 9p21.2.
Variant type: single nucleotide variant.
Coding change: c.1720A>T on transcript NM_001031689.3 (MANE Select); coding-DNA position 1720, A replaced by T.
Protein change: p.Ile574Leu; replaces isoleucine 574 with leucine.
Molecular consequence: missense variant.
Genome position (GRCh38, 1-based): chr9:26,907,936, T>A on the plus strand (A>T on the coding strand, the complement: PLAA is on the minus strand). VCF-style: chr9-26907936-T-A. GRCh37 (hg19) VCF-style: chr9-26907934-T-A.
Other names: c.1651A>T, p.Ile551Leu (NM_001321546.2); short protein forms I574L, I551L.
Identifiers: ClinVar variation 1386450 (VCV001386450.6), dbSNP rs754778787, ClinGen allele CA5014238.

ClinVar aggregate classification (germline): Uncertain significance (1 of 4 stars; one submission).

Allele frequency attached by ClinVar (database versions not stated): gnomAD 0.00001; TOPMed 0.00001; gnomAD exomes 0.00002; ExAC 0.00003.
gnomAD v4.1: 15 of 1,610,754 alleles (0.00093%); highest among the groups gnomAD compares: Middle Eastern, 0.016%; no homozygotes.

Submission:

Labcorp Genetics (formerly Invitae), Labcorp
Classification: Uncertain significance. Last evaluated: 2022-07-11. Review status: criteria provided, single submitter. Criteria: Invitae Variant Classification Sherloc (09022015). Collection method: clinical testing. Allele origin: germline.
Comment: This sequence change replaces isoleucine, which is neutral and non-polar, with leucine, which is neutral and non-polar, at codon 574 of the PLAA protein (p.Ile574Leu). This variant is present in population databases (rs754778787, gnomAD 0.006%). This variant has not been reported in the literature in individuals affected with PLAA-related conditions. ClinVar contains an entry for this variant (Variation ID: 1386450). Algorithms developed to predict the effect of missense changes on protein structure and function (SIFT, PolyPhen-2, Align-GVGD) all suggest that this variant is likely to be tolerated. In summary, the available evidence is currently insufficient to determine the role of this variant in disease. Therefore, it has been classified as a Variant of Uncertain Significance.